The following is an entry in ClinVar:

NM_032119.4(ADGRV1):c.18021G>C (p.Glu6007Asp)

Gene: ADGRV1 (adhesion G protein-coupled receptor V1; plus strand). Cytogenetic location: 5q14.3.
Variant type: single nucleotide variant.
Coding change: c.18021G>C on transcript NM_032119.4 (MANE Select); coding-DNA position 18021, G replaced by C.
Protein change: p.Glu6007Asp; replaces glutamic acid 6007 with aspartic acid.
Molecular consequence: missense variant. On other transcripts: non-coding transcript variant (1).
Genome position (GRCh38, 1-based): chr5:90,985,391, G>C. VCF-style: chr5-90985391-G-C. GRCh37 (hg19) VCF-style: chr5-90281208-G-C.
Other names: short protein forms E6007D.
Identifiers: ClinVar variation 1004348 (VCV001004348.9), dbSNP rs201582930, ClinGen allele CA122930760.

ClinVar aggregate classification (germline): Uncertain significance. Review status: criteria provided, multiple submitters, no conflicts (2 of 4 stars). 2 submissions from 2 submitters: Uncertain significance (2). Last evaluated 2025-12-26.

Allele frequency attached by ClinVar (database versions not stated): TOPMed below 0.00001; gnomAD 0.00001; 1000 Genomes Project 30x 0.00016; gnomAD exomes below 0.00001; 1000 Genomes Project 0.00020.
gnomAD v4.1: 8 of 1,613,730 alleles (0.0005%); highest among the groups gnomAD compares: African/African-American, 0.008%; no homozygotes.

Submissions (2):

Labcorp Genetics (formerly Invitae), Labcorp
Classification: Uncertain significance. Last evaluated: 2025-12-26. Review status: criteria provided, single submitter. Criteria: Invitae Variant Classification Sherloc (09022015). Collection method: clinical testing. Allele origin: germline.
Comment: This sequence change replaces glutamic acid, which is acidic and polar, with aspartic acid, which is acidic and polar, at codon 6007 of the ADGRV1 protein (p.Glu6007Asp). This variant is present in population databases (rs201582930, gnomAD 0.0009%). This variant has not been reported in the literature in individuals affected with ADGRV1-related conditions. ClinVar contains an entry for this variant (Variation ID: 1004348). Invitae Evidence Modeling of protein sequence and biophysical properties (such as structural, functional, and spatial information, amino acid conservation, physicochemical variation, residue mobility, and thermodynamic stability) indicates that this missense variant is not expected to disrupt ADGRV1 protein function with a negative predictive value of 95%. In summary, the available evidence is currently insufficient to determine the role of this variant in disease. Therefore, it has been classified as a Variant of Uncertain Significance.

Blueprint Genetics
Classification: Uncertain significance. Last evaluated: 2020-05-27. Review status: criteria provided, single submitter. Criteria: ACMG Guidelines, 2015. Collection method: clinical testing. Allele origin: germline.